The following is an entry in ClinVar:

ClinVar aggregate classification (germline): Uncertain significance (1 of 4 stars; one submission).

Conditions:
Cernunnos-XLF deficiency (IMD124). Also called: NHEJ1 SYNDROME; SCID, AUTOSOMAL RECESSIVE, T CELL-NEGATIVE, B CELL-NEGATIVE, NK CELL-POSITIVE, WITH MICROCEPHALY, GROWTH RETARDATION, AND SENSITIVITY TO IONIZING RADIATION; Severe combined immunodeficiency with sensitivity to ionizing radiation due to NHEJ1 deficiency; SCID, autosomal recessive, T cell-negative, B cell-negative, NK cell-positive, and sensitivity to ionizing radiation due to NHEJ1 deficiency; IMMUNODEFICIENCY 124, SEVERE COMBINED. Identifiers: Orphanet 169079, MedGen C1969799, MONDO:0012650, OMIM 611291.

Allele frequency attached by ClinVar (database versions not stated): TOPMed below 0.00001; gnomAD 0.00001; gnomAD exomes 0.00001.
gnomAD v4.1: 8 of 1,614,008 alleles (0.0005%); highest among the groups gnomAD compares: Non-Finnish European, 0.00068%; no homozygotes.

Submission:

Labcorp Genetics (formerly Invitae), Labcorp
Classification: Uncertain significance for Cernunnos-XLF deficiency. Last evaluated: 2023-12-11. Review status: criteria provided, single submitter. Criteria: Invitae Variant Classification Sherloc (09022015). Collection method: clinical testing. Allele origin: germline.
Comment: This sequence change replaces phenylalanine, which is neutral and non-polar, with leucine, which is neutral and non-polar, at codon 117 of the NHEJ1 protein (p.Phe117Leu). This variant is not present in population databases (gnomAD no frequency). This variant has not been reported in the literature in individuals affected with NHEJ1-related conditions. ClinVar contains an entry for this variant (Variation ID: 660371). Advanced modeling of protein sequence and biophysical properties (such as structural, functional, and spatial information, amino acid conservation, physicochemical variation, residue mobility, and thermodynamic stability) performed at Invitae indicates that this missense variant is expected to disrupt NHEJ1 protein function with a positive predictive value of 80%. In summary, the available evidence is currently insufficient to determine the role of this variant in disease. Therefore, it has been classified as a Variant of Uncertain Significance.

NM_024782.3(NHEJ1):c.351C>G (p.Phe117Leu)

Gene: NHEJ1 (non-homologous end joining factor 1; minus strand). Cytogenetic location: 2q35.
Variant type: single nucleotide variant.
Coding change: c.351C>G on transcript NM_024782.3 (MANE Select); coding-DNA position 351, C replaced by G.
Protein change: p.Phe117Leu; replaces phenylalanine 117 with leucine.
Molecular consequence: missense variant. On other transcripts: non-coding transcript variant (1).
Genome position (GRCh38, 1-based): chr2:219,157,511, G>C on the plus strand (C>G on the coding strand, the complement: NHEJ1 is on the minus strand). VCF-style: chr2-219157511-G-C. GRCh37 (hg19) VCF-style: chr2-220022233-G-C.
Other names: c.351C>G, p.Phe117Leu (NM_001377498.1, NM_001377499.1); short protein forms F117L.
Identifiers: ClinVar variation 660371 (VCV000660371.8), dbSNP rs1249067213, ClinGen allele CA350631442.